The following is an entry in ClinVar:

NM_032119.4(ADGRV1):c.9512T>C (p.Leu3171Ser)

Gene: ADGRV1 (adhesion G protein-coupled receptor V1; plus strand). Cytogenetic location: 5q14.3.
Variant type: single nucleotide variant.
Coding change: c.9512T>C on transcript NM_032119.4 (MANE Select); coding-DNA position 9512, T replaced by C.
Protein change: p.Leu3171Ser; replaces leucine 3171 with serine.
Molecular consequence: missense variant. On other transcripts: non-coding transcript variant (1).
Genome position (GRCh38, 1-based): chr5:90,720,112, T>C. VCF-style: chr5-90720112-T-C. GRCh37 (hg19) VCF-style: chr5-90015929-T-C.
Other names: short protein forms L3171S.
Identifiers: ClinVar variation 1065039 (VCV001065039.3), dbSNP rs2149767008, ClinGen allele CA360399603.
Genomic context (GRCh38, chr5:90,720,112, plus strand): 5'-TACAAATATCTGCCATATTAGACACGGAACCAGAAATGGATGAGTATTTTGTTTGCACCT[T>C]GTTTAATCCAACTGGAGGTGCTAGACTAGGGGTGCATGTTCAAACCCTGATAACAGTTTT-3'
Protein context (NP_115495.3, residues 3161-3181): PEMDEYFVCT[Leu3171Ser]FNPTGGARLG

ClinVar aggregate classification (germline): Uncertain significance (1 of 4 stars; one submission).

Conditions:
Hearing impairment. Also called: Impaired Hearing. Identifiers: MedGen C1384666, MONDO:0005365, HP:0000365.

Submission:

Department of Otolaryngology – Head & Neck Surgery, Cochlear Implant Center
Classification: Uncertain significance for Hearing impairment. Last evaluated: 2021-04-12. Review status: criteria provided, single submitter. Criteria: ClinGen HL ACMG Specifications v1. Collection method: clinical testing. Allele origin: germline. Affected: yes.
Comment: PM2_Moderate, PP3_Supporting, BP5_Supporting